The following is an entry in ClinVar:

NM_002878.4(RAD51D):c.179A>C (p.Gln60Pro)

Genes: RAD51D (RAD51 paralog D; minus strand), RAD51L3-RFFL (RAD51L3-RFFL readthrough; minus strand). Cytogenetic location: 17q12.
Variant type: single nucleotide variant.
Coding change: c.179A>C on transcript NM_002878.4 (MANE Select); coding-DNA position 179, A replaced by C.
Protein change: p.Gln60Pro; replaces glutamine 60 with proline.
Molecular consequence: missense variant. On other transcripts: intron variant (2).
Genome position (GRCh38, 1-based): chr17:35,118,585, T>G on the plus strand (A>C on the coding strand, the complement: RAD51D is on the minus strand). VCF-style: chr17-35118585-T-G. GRCh37 (hg19) VCF-style: chr17-33445604-T-G.
Other names: c.144+526A>C (NM_133629.3, NM_001142571.2); short protein forms Q60P.
Identifiers: ClinVar variation 4533055 (VCV004533055.1).

ClinVar aggregate classification (germline): Uncertain significance (1 of 4 stars; one submission).

Submission:

Quest Diagnostics Nichols Institute San Juan Capistrano
Classification: Uncertain significance. Last evaluated: 2025-06-03. Review status: criteria provided, single submitter. Criteria: Quest Diagnostics criteria. Collection method: clinical testing. Allele origin: unknown.
Comment: The RAD51D c.179A>C (p.Gln60Pro) variant has not been reported in individuals with RAD51D-related conditions in the published literature. It also has not been reported in large, multi-ethnic general populations (Genome Aggregation Database). Analysis of this variant using bioinformatics tools for the prediction of the effect of amino acid changes on protein structure and function yielded predictions that this variant is damaging. Based on the available information, we are unable to determine the clinical significance of this variant.